The following is an entry in ClinVar:

NM_005334.3(HCFC1):c.932T>C (p.Met311Thr)

Gene: HCFC1 (host cell factor C1; minus strand). Cytogenetic location: Xq28.
Variant type: single nucleotide variant.
Coding change: c.932T>C on transcript NM_005334.3 (MANE Select); coding-DNA position 932, T replaced by C.
Protein change: p.Met311Thr; replaces methionine 311 with threonine.
Molecular consequence: missense variant.
Genome position (GRCh38, 1-based): chrX:153,960,387, A>G on the plus strand (T>C on the coding strand, the complement: HCFC1 is on the minus strand). VCF-style: chrX-153960387-A-G. GRCh37 (hg19) VCF-style: chrX-153225838-A-G.
Other names: c.932T>C, p.Met311Thr (NM_001410705.1); short protein forms M311T.
Identifiers: ClinVar variation 2501361 (VCV002501361.4), dbSNP rs1317666410, ClinGen allele CA415145201.

ClinVar aggregate classification (germline): Uncertain significance. Review status: criteria provided, multiple submitters, no conflicts (2 of 4 stars). 2 submissions from 2 submitters: Uncertain significance (2). Last evaluated 2023-11-18.

Conditions:
Methylmalonic acidemia with homocystinuria, type cblX (MAHCX). Also called: INTELLECTUAL DEVELOPMENTAL DISORDER, X-LINKED 3. Identifiers: Orphanet 369962, MedGen C0796208, MONDO:0010657, OMIM 309541.

Allele frequency attached by ClinVar (database versions not stated): TOPMed 0.00001.

Submissions (2):

Labcorp Genetics (formerly Invitae), Labcorp
Classification: Uncertain significance for Methylmalonic acidemia with homocystinuria, type cblX. Last evaluated: 2023-11-18. Review status: criteria provided, single submitter. Criteria: Invitae Variant Classification Sherloc (09022015). Collection method: clinical testing. Allele origin: germline.
Comment: This sequence change replaces methionine, which is neutral and non-polar, with threonine, which is neutral and polar, at codon 311 of the HCFC1 protein (p.Met311Thr). This variant is not present in population databases (gnomAD no frequency). This variant has not been reported in the literature in individuals affected with HCFC1-related conditions. ClinVar contains an entry for this variant (Variation ID: 2501361). Advanced modeling of protein sequence and biophysical properties (such as structural, functional, and spatial information, amino acid conservation, physicochemical variation, residue mobility, and thermodynamic stability) has been performed at Invitae for this missense variant, however the output from this modeling did not meet the statistical confidence thresholds required to predict the impact of this variant on HCFC1 protein function. In summary, the available evidence is currently insufficient to determine the role of this variant in disease. Therefore, it has been classified as a Variant of Uncertain Significance.

GeneDx
Classification: Uncertain significance. Last evaluated: 2022-11-02. Review status: criteria provided, single submitter. Criteria: GeneDx Variant Classification Process June 2021. Collection method: clinical testing. Allele origin: germline. Affected: yes.
Comment: Not observed at significant frequency in large population cohorts (gnomAD); In silico analysis supports that this missense variant has a deleterious effect on protein structure/function; Has not been previously published as pathogenic or benign to our knowledge